The following is an entry in ClinVar:

NM_001372044.2(SHANK3):c.2220-62C>T

Gene: SHANK3 (SH3 and multiple ankyrin repeat domains 3; plus strand). Cytogenetic location: 22q13.33.
Variant type: single nucleotide variant.
Coding change: c.2220-62C>T on transcript NM_001372044.2 (MANE Select); 62 bases into the intron before coding-DNA position 2220, C replaced by T.
Molecular consequence: intron variant.
Genome position (GRCh38, 1-based): chr22:50,706,010, C>T. VCF-style: chr22-50706010-C-T. GRCh37 (hg19) VCF-style: chr22-51144438-C-T.
Identifiers: ClinVar variation 4822969 (VCV004822969.4).

ClinVar aggregate classification (germline): Likely benign (1 of 4 stars; one submission).

Submission:

CeGaT Center for Human Genetics Tuebingen
Classification: Likely benign. Last evaluated: 2026-01-01. Review status: criteria provided, single submitter. Criteria: CeGaT Center For Human Genetics Tuebingen Variant Classification Criteria Version 2. Collection method: clinical testing. Allele origin: germline. Affected: yes. Observed: 1 variant allele.
Comment: SHANK3: BP4